The following is an entry in ClinVar:

ClinVar aggregate classification (germline): Conflicting classifications of pathogenicity. Review status: criteria provided, conflicting classifications (1 of 4 stars). 2 submissions from 2 submitters: Uncertain significance (1); Likely benign (1). Last evaluated 2022-10-05.

Allele frequency attached by ClinVar (database versions not stated): gnomAD 0.00002; gnomAD exomes 0.00002; ExAC 0.00003.
gnomAD v4.1: 27 of 1,610,964 alleles (0.0017%); highest among the groups gnomAD compares: South Asian, 0.03%; 1 homozygote.

Submissions (2):

Labcorp Genetics (formerly Invitae), Labcorp
Classification: Uncertain significance. Last evaluated: 2022-10-05. Review status: criteria provided, single submitter. Criteria: Invitae Variant Classification Sherloc (09022015). Collection method: clinical testing. Allele origin: germline.
Comment: In summary, the available evidence is currently insufficient to determine the role of this variant in disease. Therefore, it has been classified as a Variant of Uncertain Significance. Algorithms developed to predict the effect of sequence changes on RNA splicing suggest that this variant may create or strengthen a splice site. This variant has not been reported in the literature in individuals affected with COL2A1-related conditions. This variant is present in population databases (rs755453553, gnomAD 0.03%). This sequence change falls in intron 44 of the COL2A1 gene. It does not directly change the encoded amino acid sequence of the COL2A1 protein.

Blueprint Genetics
Classification: Likely benign. Last evaluated: 2017-06-20. Review status: criteria provided, single submitter. Criteria: ACMG Guidelines, 2015. Collection method: clinical testing. Allele origin: germline.

NM_001844.5(COL2A1):c.3111+13A>T

Gene: COL2A1 (collagen type II alpha 1 chain; minus strand). Cytogenetic location: 12q13.11.
Variant type: single nucleotide variant.
Coding change: c.3111+13A>T on transcript NM_001844.5 (MANE Select); 13 bases into the intron after coding-DNA position 3111, A replaced by T.
Molecular consequence: intron variant.
Genome position (GRCh38, 1-based): chr12:47,977,997, T>A on the plus strand (A>T on the coding strand, the complement: COL2A1 is on the minus strand). VCF-style: chr12-47977997-T-A. GRCh37 (hg19) VCF-style: chr12-48371780-T-A.
Other names: c.2904+13A>T (NM_033150.3).
Identifiers: ClinVar variation 1924509 (VCV001924509.6), dbSNP rs755453553, ClinGen allele CA6534897.